The following is an entry in ClinVar:

ClinVar aggregate classification (germline): Likely benign. Review status: criteria provided, multiple submitters, no conflicts (2 of 4 stars). 3 submissions from 3 submitters: Likely benign (2). 1 of the submissions does not count toward it. Last evaluated 2025-11-18.

Conditions:
Hereditary cancer-predisposing syndrome. Also called: Hereditary Cancer Syndrome; Tumor predisposition; Hereditary neoplastic syndrome; Neoplastic Syndromes, Hereditary. Identifiers: Orphanet 140162, MedGen C0027672, MeSH D009386, MONDO:0015356.
Multiple endocrine neoplasia, type 1 (MEN1). Also called: MEN I; WERMER SYNDROME; Endocrine adenomatosis multiple; MEN 1; MEA I. Identifiers: Orphanet 652, MedGen C0025267, MeSH D018761, MONDO:0007540, OMIM 131100.

Allele frequency attached by ClinVar (database versions not stated): TOPMed below 0.00001; gnomAD 0.00001.
gnomAD v4.1: 1 of 1,614,042 alleles (0.000062%); highest among the groups gnomAD compares: Non-Finnish European, 0.000085%; no homozygotes.

Submissions (3):

Labcorp Genetics (formerly Invitae), Labcorp
Classification: Likely benign for Multiple endocrine neoplasia, type 1. Last evaluated: 2025-11-18. Review status: criteria provided, single submitter. Criteria: Invitae Variant Classification Sherloc (09022015). Collection method: clinical testing. Allele origin: germline.

Ambry Genetics
Classification: Likely benign for Hereditary cancer-predisposing syndrome. Last evaluated: 2019-07-18. Review status: criteria provided, single submitter. Criteria: Ambry Variant Classification Scheme 2023. Collection method: clinical testing. Allele origin: germline.

Department of Pathology and Laboratory Medicine, Sinai Health System
Classification: Uncertain significance. Review status: no assertion criteria provided. Collection method: clinical testing. Allele origin: unknown. Affected: yes. Study: The Canadian Open Genetics Repository (COGR). Not counted in ClinVar's aggregate classification.
Comment: The MEN1 p.Leu117Leu variant was not identified in the literature nor was it identified in the dbSNP, ClinVar, Cosmic, MutDB or LOVD 3.0 databases. The variant was not identified in the following control databases: the 1000 Genomes Project, the NHLBI GO Exome Sequencing Project, the Exome Aggregation Consortium (August 8th 2016), or the Genome Aggregation Database (Feb 27, 2017). The p.Leu117Leu variant is not expected to have clinical significance because it does not result in a change of amino acid and is not located in a known consensus splice site, however 4 of 4 in silico or computational prediction software programs (SpliceSiteFinder, MaxEntScan, NNSPLICE, and GeneSplicer) predict a greater than 10% difference in splicing. Specifically, they predict the creation of a new 5' splice site five base pairs upstream of the c.349C>T variant. MutationTaster predicts that this variant is disease causing as protein features (might be) affected and the splice site changes. However, this information is not predictive enough to assume pathogenicity. In summary, based on the above information the clinical significance of this variant cannot be determined with certainty at this time. This variant is classified as a variant of uncertain significance.

NM_001370259.2(MEN1):c.349C>T (p.Leu117=)

Gene: MEN1 (menin 1; minus strand). Cytogenetic location: 11q13.1.
Variant type: single nucleotide variant.
Coding change: c.349C>T on transcript NM_001370259.2 (MANE Select); coding-DNA position 349, C replaced by T.
Protein change: p.Leu117=; no amino-acid change (leucine 117 retained).
Molecular consequence: synonymous variant.
Genome position (GRCh38, 1-based): chr11:64,809,761, G>A on the plus strand (C>T on the coding strand, the complement: MEN1 is on the minus strand). VCF-style: chr11-64809761-G-A. GRCh37 (hg19) VCF-style: chr11-64577233-G-A.
Other names: c.349C>T, p.Leu117= (NM_000244.4, NM_001370251.2, NM_001370260.2 and 9 more transcripts).
Identifiers: ClinVar variation 1049168 (VCV001049168.7), dbSNP rs1941984891, ClinGen allele CA475163399.
Genomic context (GRCh38, chr11:64,809,761, plus strand): 5'-GATCCTTGAAGTAGGAGCGGCTGAGGCTGTTCCATATGACATCGGAGACCTTCTTCACCA[G>A]CTCACGGCTGGAGACACCCCCTTCTCGAGGATAGAGGGACAGGTCGACGGCGCCTCGGAT-3'
Protein context (NP_001357188.2, residues 107-127): PREGGVSSRE[Leu117=]VKKVSDVIWN